The following is an entry in ClinVar:

NM_001854.4(COL11A1):c.4717T>G (p.Ser1573Ala)

Gene: COL11A1 (collagen type XI alpha 1 chain; minus strand). Cytogenetic location: 1p21.1.
Variant type: single nucleotide variant.
Coding change: c.4717T>G on transcript NM_001854.4 (MANE Select); coding-DNA position 4717, T replaced by G.
Protein change: p.Ser1573Ala; replaces serine 1573 with alanine.
Molecular consequence: missense variant. On other transcripts: non-coding transcript variant (1).
Genome position (GRCh38, 1-based): chr1:102,886,948, A>C on the plus strand (T>G on the coding strand, the complement: COL11A1 is on the minus strand). VCF-style: chr1-102886948-A-C. GRCh37 (hg19) VCF-style: chr1-103352504-A-C.
Other names: c.4369T>G, p.Ser1457Ala (NM_001168249.1, NM_080630.4); c.4600T>G, p.Ser1534Ala (NM_001190709.2); c.4753T>G, p.Ser1585Ala (NM_080629.3); short protein forms S1457A, S1534A, S1573A, S1585A.
Identifiers: ClinVar variation 2499281 (VCV002499281.1), dbSNP rs865904271, ClinGen allele CA341212013.

ClinVar aggregate classification (germline): Uncertain significance (1 of 4 stars; one submission).

Submission:

GeneDx
Classification: Uncertain significance. Last evaluated: 2023-04-14. Review status: criteria provided, single submitter. Criteria: GeneDx Variant Classification Process June 2021. Collection method: clinical testing. Allele origin: germline. Affected: yes.
Comment: Not observed at significant frequency in large population cohorts (gnomAD); Not located in the triple helical region, where the majority of pathogenic missense variants occur (HGMD; Acke et al., 2014); In silico analysis supports that this missense variant does not alter protein structure/function; Has not been previously published as pathogenic or benign to our knowledge; This variant is associated with the following publications: (PMID: 25240749)